The following is an entry in ClinVar:

NM_000069.3(CACNA1S):c.217C>T (p.Pro73Ser)

Gene: CACNA1S (calcium voltage-gated channel subunit alpha1 S; minus strand). Cytogenetic location: 1q32.1.
Variant type: single nucleotide variant.
Coding change: c.217C>T on transcript NM_000069.3 (MANE Select); coding-DNA position 217, C replaced by T.
Protein change: p.Pro73Ser; replaces proline 73 with serine.
Molecular consequence: missense variant.
Genome position (GRCh38, 1-based): chr1:201,110,205, G>A on the plus strand (C>T on the coding strand, the complement: CACNA1S is on the minus strand). VCF-style: chr1-201110205-G-A. GRCh37 (hg19) VCF-style: chr1-201079333-G-A.
Other names: short protein forms P73S.
Identifiers: ClinVar variation 3073792 (VCV003073792.1), dbSNP rs2464691516, ClinGen allele CA344155923.

ClinVar aggregate classification (germline): Uncertain significance (1 of 4 stars; one submission).

Conditions:
Malignant hyperthermia, susceptibility to, 5 (MHS5). Also called: CACNA1S-Related Malignant Hyperthermia Susceptibility. Identifiers: Orphanet 423, MedGen C1866077, MONDO:0011163, OMIM 601887.

Submission:

All of Us Research Program, National Institutes of Health
Classification: Uncertain significance for Malignant hyperthermia, susceptibility to, 5. Last evaluated: 2023-10-06. Review status: criteria provided, single submitter. Criteria: ACMG Guidelines, 2015. Collection method: clinical testing. Allele origin: germline. Inheritance: Autosomal dominant inheritance. Observed: 1 variant allele, 1 heterozygote.
Comment: This missense variant replaces proline with serine at codon 73 of the CACNA1S protein. Computational prediction suggests that this variant may have deleterious impact on protein structure and function (internally defined REVEL score threshold >= 0.7, PMID: 27666373). To our knowledge, functional studies have not been reported for this variant. This variant has not been reported in individuals affected with CACNA1S-related disorders in the literature. This variant has not been identified in the general population by the Genome Aggregation Database (gnomAD). The available evidence is insufficient to determine the role of this variant in disease conclusively. Therefore, this variant is classified as a Variant of Uncertain Significance.

This study involves interpretation of variants in research participants for the purpose of population health screening. Participant phenotype was not available at the time of variant classification. Additional details can be found in publication PMID: 35346344, PMCID: PMC8962531